The following is an entry in ClinVar:

NM_002661.5(PLCG2):c.423T>C (p.Ile141=)

Gene: PLCG2 (phospholipase C gamma 2; plus strand). Cytogenetic location: 16q23.3.
Variant type: single nucleotide variant.
Coding change: c.423T>C on transcript NM_002661.5 (MANE Select); coding-DNA position 423, T replaced by C.
Protein change: p.Ile141=; no amino-acid change (isoleucine 141 retained).
Molecular consequence: synonymous variant.
Genome position (GRCh38, 1-based): chr16:81,858,348, T>C. VCF-style: chr16-81858348-T-C. GRCh37 (hg19) VCF-style: chr16-81891953-T-C.
Other names: p.Ile141=; c.423T>C, p.Ile141= (NM_001425749.1, NM_001425750.1, NM_001425751.1).
Identifiers: ClinVar variation 4684108 (VCV004684108.1).

ClinVar aggregate classification (germline): Likely benign (1 of 4 stars; one submission).

gnomAD v4.1: 2 of 1,612,228 alleles (0.00012%); highest among the groups gnomAD compares: Middle Eastern, 0.033%; no homozygotes.

Submission:

Mayo Clinic Laboratories, Mayo Clinic
Classification: Likely benign. Last evaluated: 2025-08-12. Review status: criteria provided, single submitter. Criteria: ACMG Guidelines, 2015. Collection method: clinical testing. Allele origin: germline. Observed: 1 variant allele.
Comment: BP4, BP7, PM2_supporting